The following is an entry in ClinVar:

NM_002439.5(MSH3):c.370T>A (p.Cys124Ser)

Gene: MSH3 (mutS homolog 3; plus strand). Cytogenetic location: 5q14.1.
Variant type: single nucleotide variant.
Coding change: c.370T>A on transcript NM_002439.5 (MANE Select); coding-DNA position 370, T replaced by A.
Protein change: p.Cys124Ser; replaces cysteine 124 with serine.
Molecular consequence: missense variant.
Genome position (GRCh38, 1-based): chr5:80,665,154, T>A. VCF-style: chr5-80665154-T-A. GRCh37 (hg19) VCF-style: chr5-79960973-T-A.
Other names: short protein forms C124S.
Identifiers: ClinVar variation 3874983 (VCV003874983.1).

ClinVar aggregate classification (germline): Uncertain significance (1 of 4 stars; one submission).

Conditions:
Hereditary cancer-predisposing syndrome. Also called: Tumor predisposition; Neoplastic Syndromes, Hereditary; Hereditary Cancer Syndrome; Hereditary neoplastic syndrome. Identifiers: Orphanet 140162, MedGen C0027672, MeSH D009386, MONDO:0015356.

Submission:

Ambry Genetics
Classification: Uncertain significance for Hereditary cancer-predisposing syndrome. Last evaluated: 2025-02-04. Review status: criteria provided, single submitter. Criteria: Ambry Variant Classification Scheme 2023. Collection method: clinical testing. Allele origin: germline.
Comment: The p.C124S variant (also known as c.370T>A), located in coding exon 3 of the MSH3 gene, results from a T to A substitution at nucleotide position 370. The cysteine at codon 124 is replaced by serine, an amino acid with dissimilar properties. This amino acid position is conserved. In addition, this alteration is predicted to be tolerated by in silico analysis. Based on the available evidence, the clinical significance of this variant remains unclear.